The following is an entry in ClinVar:

ClinVar aggregate classification (germline): Uncertain significance (1 of 4 stars; one submission).

Conditions:
Primary ciliary dyskinesia 23 (CILD23). Also called: CILIARY DYSKINESIA, PRIMARY, 23, WITH OR WITHOUT SITUS INVERSUS. Identifiers: Orphanet 244, MedGen C3809548, MONDO:0014193, OMIM 615451.

Allele frequency attached by ClinVar (database versions not stated): ExAC 0.00001; gnomAD 0.00001; gnomAD exomes 0.00001; TOPMed 0.00002.
gnomAD v4.1: 6 of 1,613,856 alleles (0.00037%); highest among the groups gnomAD compares: Admixed American, 0.01%; no homozygotes.

Submission:

Labcorp Genetics (formerly Invitae), Labcorp
Classification: Uncertain significance for Primary ciliary dyskinesia 23. Last evaluated: 2022-06-07. Review status: criteria provided, single submitter. Criteria: Invitae Variant Classification Sherloc (09022015). Collection method: clinical testing. Allele origin: germline.
Comment: This sequence change replaces serine, which is neutral and polar, with asparagine, which is neutral and polar, at codon 721 of the ARMC4 protein (p.Ser721Asn). This variant is present in population databases (rs762544821, gnomAD 0.009%). This variant has not been reported in the literature in individuals affected with ARMC4-related conditions. Algorithms developed to predict the effect of missense changes on protein structure and function (SIFT, PolyPhen-2, Align-GVGD) all suggest that this variant is likely to be tolerated. In summary, the available evidence is currently insufficient to determine the role of this variant in disease. Therefore, it has been classified as a Variant of Uncertain Significance.

NM_018076.5(ODAD2):c.2162G>A (p.Ser721Asn)

Gene: ODAD2 (outer dynein arm docking complex subunit 2; minus strand). Cytogenetic location: 10p12.1.
Variant type: single nucleotide variant.
Coding change: c.2162G>A on transcript NM_018076.5 (MANE Select); coding-DNA position 2162, G replaced by A.
Protein change: p.Ser721Asn; replaces serine 721 with asparagine.
Molecular consequence: missense variant.
Genome position (GRCh38, 1-based): chr10:27,936,816, C>T on the plus strand (G>A on the coding strand, the complement: ODAD2 is on the minus strand). VCF-style: chr10-27936816-C-T. GRCh37 (hg19) VCF-style: chr10-28225745-C-T.
Other names: c.2162G>A, p.Ser721Asn (NM_001290020.2); c.737G>A, p.Ser246Asn (NM_001290021.2); c.1238G>A, p.Ser413Asn (NM_001312689.2); short protein forms S246N, S721N, S413N.
Identifiers: ClinVar variation 2039669 (VCV002039669.1), dbSNP rs762544821, ClinGen allele CA5453287.